The following is an entry in ClinVar:

NM_002772.3(TMPRSS15):c.2388G>A (p.Trp796Ter)

Gene: TMPRSS15 (transmembrane serine protease 15; minus strand). Cytogenetic location: 21q21.1.
Variant type: single nucleotide variant.
Coding change: c.2388G>A on transcript NM_002772.3 (MANE Select); coding-DNA position 2388, G replaced by A.
Protein change: p.Trp796Ter; replaces tryptophan 796 with a stop codon.
Molecular consequence: nonsense.
Genome position (GRCh38, 1-based): chr21:18,294,368, C>T on the plus strand (G>A on the coding strand, the complement: TMPRSS15 is on the minus strand). VCF-style: chr21-18294368-C-T. GRCh37 (hg19) VCF-style: chr21-19666685-C-T.
Other names: short protein forms W796*.
Identifiers: ClinVar variation 2878602 (VCV002878602.3), dbSNP rs975406724, ClinGen allele CA318087866.

ClinVar aggregate classification (germline): Pathogenic (1 of 4 stars; one submission).

Allele frequency attached by ClinVar (database versions not stated): gnomAD exomes below 0.00001; TOPMed below 0.00001.
gnomAD v4.1: 1 of 1,614,254 alleles (0.000062%); highest among the groups gnomAD compares: Non-Finnish European, 0.000085%; no homozygotes.

Submission:

Labcorp Genetics (formerly Invitae), Labcorp
Classification: Pathogenic. Last evaluated: 2024-01-12. Review status: criteria provided, single submitter. Criteria: Invitae Variant Classification Sherloc (09022015). Collection method: clinical testing. Allele origin: germline.
Comment: This sequence change creates a premature translational stop signal (p.Trp796*) in the TMPRSS15 gene. It is expected to result in an absent or disrupted protein product. Loss-of-function variants in TMPRSS15 are known to be pathogenic (PMID: 11719902). This variant is not present in population databases (gnomAD no frequency). This variant has not been reported in the literature in individuals affected with TMPRSS15-related conditions. For these reasons, this variant has been classified as Pathogenic.

Literature cited by the submitters: PubMed 11719902.